The following is an entry in ClinVar:

ClinVar aggregate classification (germline): Likely pathogenic. Review status: reviewed by expert panel (3 of 4 stars). 2 submissions from 2 submitters: Likely pathogenic (1). 1 of the submissions does not count toward it. Last evaluated 2024-11-06.

Conditions:
Pulmonary arterial hypertension. Identifiers: Orphanet 182090, MedGen C2973725, MeSH D000081029, MONDO:0015924, HP:0002092.
Pulmonary hypertension, primary, 1 (PPH1). Also called: Pulmonary hypertension, familial primary, 1, with or without HHT. Identifiers: Orphanet 422, MedGen C4552070, MONDO:0024533, OMIM 178600.

Submissions (2):

Clingen Pulmonary Hypertension Variant Curation Expert Panel, ClinGen
Classification: Likely pathogenic for Pulmonary arterial hypertension. Last evaluated: 2024-11-06. Review status: reviewed by expert panel. Criteria: ClinGen PH ACMG Specifications BMPR2 V1.1.0. Collection method: curation. Allele origin: germline. Inheritance: Autosomal dominant inheritance.
Comment: The NM_001204.7(BMPR2):c.1157A>C (p.Glu386Ala) variant is harboured in exon 9 of the BMPR2 gene, encoding the functionally relevant catalytic kinase domain and impacts an amino acid indispensable to kinase structure and function (PM1_strong). The variant has been reported once in an IPAH subject (PMID: 23675998). The variant is absent from gnomAD v2.1.1 (controls) and v4.1.0 (PM2_supporting). The REVEL prediction algorithm score is 0.991, AlphaMissense is 0.9832 indicating pathogenicity (PP3_met). PS2 was not assessed due to lack of paternity data. Functional studies have not been conducted for this variant (PS3 not assessed). Four additional likely pathogenic variants (p.Glu386Gln, p.Glu386Gly, p.Glu386Lys, p.Glu386Val) have been reported at the same position (PMID: 26387786) (PM5_supporting). In summary, this variant meets the criteria to be classified as likely pathogenic for pulmonary arterial hypertension based on the ACMG/AMP criteria applied, as specified by the ClinGen Pulmonary Hypertension VCEP: PM1_strong, PM2_supporting, PP3, PM5_supporting (VCEP specification version 1.1.0, 1/18/2024).

Rare Disease Genomics Group, St George's University of London
Classification: Pathogenic for Primary pulmonary hypertension. Review status: no assertion criteria provided. Collection method: literature only. Allele origin: germline. Affected: yes. Not counted in ClinVar's aggregate classification.

Literature cited by the submitters: PubMed 34400635 (cited by Clingen Pulmonary Hypertension Variant Curation Expert Panel, ClinGen); PubMed 23675998 (cited by Rare Disease Genomics Group, St George's University of London).

NM_001204.7(BMPR2):c.1157A>C (p.Glu386Ala)

Gene: BMPR2 (bone morphogenetic protein receptor type 2; plus strand). Cytogenetic location: 2q33.2.
Variant type: single nucleotide variant.
Coding change: c.1157A>C on transcript NM_001204.7 (MANE Select); coding-DNA position 1157, A replaced by C.
Protein change: p.Glu386Ala; replaces glutamic acid 386 with alanine.
Molecular consequence: missense variant.
Genome position (GRCh38, 1-based): chr2:202,532,613, A>C. VCF-style: chr2-202532613-A-C. GRCh37 (hg19) VCF-style: chr2-203397336-A-C.
Other names: NM_001204.7(BMPR2):c.1157A>C; p.Glu386Ala; c.1157A>C (LRG_712t1); short protein forms E386A.
Identifiers: ClinVar variation 425885 (VCV000425885.2), dbSNP rs1085307307, ClinGen allele CA350341739.